The following is an entry in ClinVar:

NM_001130144.3(LTBP3):c.2087C>G (p.Ser696Cys)

Gene: LTBP3 (latent transforming growth factor beta binding protein 3; minus strand). Cytogenetic location: 11q13.1.
Variant type: single nucleotide variant.
Coding change: c.2087C>G on transcript NM_001130144.3 (MANE Select); coding-DNA position 2087, C replaced by G.
Protein change: p.Ser696Cys; replaces serine 696 with cysteine.
Molecular consequence: missense variant.
Genome position (GRCh38, 1-based): chr11:65,547,459, G>C on the plus strand (C>G on the coding strand, the complement: LTBP3 is on the minus strand). VCF-style: chr11-65547459-G-C. GRCh37 (hg19) VCF-style: chr11-65314930-G-C.
Other names: c.1736C>G, p.Ser579Cys (NM_001164266.1); c.2087C>G, p.Ser696Cys (NM_021070.4); short protein forms S696C, S579C.
Identifiers: ClinVar variation 448911 (VCV000448911.2), dbSNP rs1554974135, ClinGen allele CA381270800.
Genomic context (GRCh38, chr11:65,547,459, plus strand): 5'-CTAAGGAGCTCCTTCTTTGGTCTGAATGGGGTCCCCTCACCTTCGCACACAGGAGGCCGG[G>C]AGGCTTTGAGCCGGTAGCCGGGGTAGCAGTTGCACTTGTAGTGACCGGGAAAGTTGATGC-3'
Protein context (NP_001123616.1, residues 686-706): NCYPGYRLKA[Ser696Cys]RPPVCEDIDE

ClinVar aggregate classification (germline): Uncertain significance. Review status: criteria provided, multiple submitters, no conflicts (2 of 4 stars). 3 submissions from 3 submitters: Uncertain significance (2). 1 of the submissions does not count toward it. Last evaluated 2025-05-08.

Conditions:
Geleophysic dysplasia 3. Identifiers: MedGen C4540511, MONDO:0054722, OMIM 617809.

Submissions (3):

3billion
Classification: Uncertain significance for Geleophysic dysplasia 3. Last evaluated: 2025-05-08. Review status: criteria provided, single submitter. Criteria: ACMG Guidelines, 2015. Collection method: clinical testing. Allele origin: germline. Affected: yes.
Comment: The variant is not observed in the gnomAD v4.1.0 dataset. Predicted Consequence/Location: Missense variant. The majority of the known disease-causing variants of this gene are variants expected to result in premature termination of the protein. Damaging effect on gene or gene product predicted by in silico programs is uncertain [3Cnet: 0.19 (damaging >0.75, benign <0.1)]. The same nucleotide change resulting in the same amino acid change has been previously reported to be associated with LTBP3-related disorder (PMID: 27068007). However, the evidence of pathogenicity is insufficient at this time. Therefore, this variant is classified as VUS according to the recommendation of ACMG/AMP guideline.

SIB Swiss Institute of Bioinformatics
Classification: Uncertain significance for Geleophysic dysplasia 3. Last evaluated: 2018-10-15. Review status: criteria provided, single submitter. Criteria: ACMG Guidelines, 2015. Collection method: curation. Allele origin: germline.
Comment: This variant is interpreted as Uncertain Significance - Conflicting Evidence, for Geleophysic dysplasia 3, autosomal dominant. The following ACMG Tag(s) were applied: PM2 => Absent from controls (or at extremely low frequency if recessive) in Exome Sequencing Project, 1000 Genomes Project, or Exome Aggregation Consortium. PP1 => Cosegregation with disease in multiple affected family members in a gene definitively known to cause the disease (PubMed 27068007). BS3-Supporting => BS3 downgraded in strength to supporting No effect on TGF-beta secretion (PubMed 27068007).

OMIM
Classification: Pathogenic for GELEOPHYSIC DYSPLASIA 3. Last evaluated: 2017-12-13. Review status: no assertion criteria provided. Collection method: literature only. Allele origin: germline. Not counted in ClinVar's aggregate classification.

Literature cited by the submitters: PubMed 27068007 (cited by 3 submitters).